The following is an entry in ClinVar:

NM_020778.5(ALPK3):c.4093+3G>A

Gene: ALPK3 (alpha kinase 3; plus strand). Cytogenetic location: 15q25.3.
Variant type: single nucleotide variant.
Coding change: c.4093+3G>A on transcript NM_020778.5 (MANE Select); 3 bases into the intron after coding-DNA position 4093, G replaced by A.
Molecular consequence: intron variant.
Genome position (GRCh38, 1-based): chr15:84,859,906, G>A. VCF-style: chr15-84859906-G-A. GRCh37 (hg19) VCF-style: chr15-85403137-G-A.
Identifiers: ClinVar variation 2812617 (VCV002812617.3), dbSNP rs2505724993, ClinGen allele CA2630111338.
Genomic context (GRCh38, chr15:84,859,906, plus strand): 5'-TGCACCATCCACAATGAGCACGGCTCGGCCTCCACCGACTTCTGCCTCAGCCCTGAGGGT[G>A]AGTGTGCCCCGCGGCCCGGGGTCTCAGCCTGGCCTGGCTCCTGGTGGGTGGGCAGCAGTC-3'

ClinVar aggregate classification (germline): Uncertain significance (1 of 4 stars; one submission).

gnomAD v4.1: 2 of 1,614,036 alleles (0.00012%); highest among the groups gnomAD compares: Non-Finnish European, 0.00017%; no homozygotes.

Submission:

Labcorp Genetics (formerly Invitae), Labcorp
Classification: Uncertain significance. Last evaluated: 2023-05-03. Review status: criteria provided, single submitter. Criteria: Invitae Variant Classification Sherloc (09022015). Collection method: clinical testing. Allele origin: germline.
Comment: In summary, the available evidence is currently insufficient to determine the role of this variant in disease. Therefore, it has been classified as a Variant of Uncertain Significance. Variants that disrupt the consensus splice site are a relatively common cause of aberrant splicing (PMID: 17576681, 9536098). Algorithms developed to predict the effect of sequence changes on RNA splicing suggest that this variant is not likely to affect RNA splicing. This variant has not been reported in the literature in individuals affected with ALPK3-related conditions. This variant is not present in population databases (gnomAD no frequency). This sequence change falls in intron 8 of the ALPK3 gene. It does not directly change the encoded amino acid sequence of the ALPK3 protein. It affects a nucleotide within the consensus splice site.

Literature cited by the submitters: PubMed 17576681; PubMed 9536098.